The following is an entry in ClinVar:

ClinVar aggregate classification (germline): Conflicting classifications of pathogenicity. Review status: criteria provided, conflicting classifications (1 of 4 stars). 3 submissions from 2 submitters: Likely pathogenic (1); Uncertain significance (2). Last evaluated 2026-01-01.

Conditions:
Diabetes mellitus, permanent neonatal 2. Also called: KCNJ11-Related Permanent Neonatal Diabetes Mellitus. Identifiers: MedGen C5394296, MONDO:0030087, OMIM 618856.
Permanent neonatal diabetes mellitus (PNDM). Identifiers: Orphanet 99885, MedGen C1833104, MONDO:0100164, MONDO:0011643. Disease mechanism: gain of function.
Diabetes mellitus, transient neonatal, 3 (TNDM3). Identifiers: Orphanet 99886, MedGen C1864623, MONDO:0012522, OMIM 610582. Disease mechanism: loss of function.

Submissions (3):

Genomic Medicine Center of Excellence, King Faisal Specialist Hospital and Research Centre
Classification: Likely pathogenic for Permanent Neonatal Diabetes Mellitus. Last evaluated: 2026-01-01. Review status: criteria provided, single submitter. Criteria: ACMG Guidelines, 2015. Collection method: clinical testing. Allele origin: germline. Affected: yes.

Genomic Medicine Center of Excellence, King Faisal Specialist Hospital and Research Centre
Classification: Uncertain significance for Diabetes mellitus, permanent neonatal 2. Last evaluated: 2024-09-22. Review status: criteria provided, single submitter. Criteria: ACMG Guidelines, 2015. Collection method: clinical testing. Allele origin: germline.

Baylor Genetics
Classification: Uncertain significance for Diabetes mellitus, transient neonatal, 3. Last evaluated: 2019-09-27. Review status: criteria provided, single submitter. Criteria: ACMG Guidelines, 2015. Collection method: clinical testing. Allele origin: unknown. Affected: yes.
Comment: This variant was determined to be of uncertain significance according to ACMG Guidelines, 2015 [PMID:25741868].

NM_000525.4(KCNJ11):c.472A>T (p.Met158Leu)

Gene: KCNJ11 (potassium inwardly rectifying channel subfamily J member 11; minus strand). Cytogenetic location: 11p15.1.
Variant type: single nucleotide variant.
Coding change: c.472A>T on transcript NM_000525.4 (MANE Select); coding-DNA position 472, A replaced by T.
Protein change: p.Met158Leu; replaces methionine 158 with leucine.
Molecular consequence: missense variant.
Genome position (GRCh38, 1-based): chr11:17,387,620, T>A on the plus strand (A>T on the coding strand, the complement: KCNJ11 is on the minus strand). VCF-style: chr11-17387620-T-A. GRCh37 (hg19) VCF-style: chr11-17409167-T-A.
Other names: c.211A>T, p.Met71Leu (NM_001166290.2, NM_001377296.1, NM_001377297.1); short protein forms M158L, M71L.
Identifiers: ClinVar variation 1028815 (VCV001028815.3), dbSNP rs1953585385, ClinGen allele CA379773437.